The following is an entry in ClinVar:

NM_000093.5(COL5A1):c.1863T>C (p.Pro621=)

Gene: COL5A1 (collagen type V alpha 1 chain; plus strand). Cytogenetic location: 9q34.3.
Variant type: single nucleotide variant.
Coding change: c.1863T>C on transcript NM_000093.5 (MANE Select); coding-DNA position 1863, T replaced by C.
Protein change: p.Pro621=; no amino-acid change (proline 621 retained).
Molecular consequence: synonymous variant.
Genome position (GRCh38, 1-based): chr9:134,756,800, T>C. VCF-style: chr9-134756800-T-C. GRCh37 (hg19) VCF-style: chr9-137648646-T-C.
Other names: c.1863T>C, p.Pro621= (NM_001278074.1).
Identifiers: ClinVar variation 4005420 (VCV004005420.3).
Genomic context (GRCh38, chr9:134,756,800, plus strand): 5'-GACGGTTTTGCCTCCTTTGTTCCAGGGTCGGGCTGGGAGTGATGGAGCCAGAGGAATGCC[T>C]GGACAAACTGGCCCCAAGGTAGGTCACCCACCACCCTCCTGGTGCCCTGGCATCACTGTC-3'
Protein context (NP_000084.3, residues 611-631): RAGSDGARGM[Pro621=]GQTGPKGDRG

ClinVar aggregate classification (germline): Benign/Likely benign. Review status: criteria provided, multiple submitters, no conflicts (2 of 4 stars). 3 submissions from 3 submitters: Benign (1); Likely benign (2). Last evaluated 2025-10-24.

Conditions:
Familial thoracic aortic aneurysm and aortic dissection (TAAD). Also called: Thoracic aortic aneurysms and dissections. Identifiers: Orphanet 91387, MedGen C4707243, MONDO:0019625.
Ehlers-Danlos syndrome, classic type, 1 (EDSCL1). Also called: EHLERS-DANLOS SYNDROME, GRAVIS TYPE; EHLERS-DANLOS SYNDROME, SEVERE CLASSIC TYPE; Ehlers-Danlos syndrome, type 1; Ehlers-Danlos Syndrome, Classic Type, COL5A1-Related; EDS I. Identifiers: MedGen C0268335, MONDO:0019567, OMIM 130000.

gnomAD v4.1: 3 of 1,614,072 alleles (0.00019%); highest among the groups gnomAD compares: Admixed American, 0.0017%; no homozygotes.

Submissions (3):

Women's Health and Genetics/Laboratory Corporation of America, LabCorp
Classification: Likely benign. Last evaluated: 2025-10-24. Review status: criteria provided, single submitter. Criteria: LabCorp Variant Classification Summary - May 2015. Collection method: clinical testing. Allele origin: germline.
Comment: Variant summary: COL5A1 c.1863T>C alters a conserved nucleotide resulting in a synonymous change. Consensus agreement among computation tools predict no significant impact on normal splicing. However, these predictions have yet to be confirmed by functional studies. The variant allele was found at a frequency of 4e-06 in 251382 control chromosomes. The available data on variant occurrences in the general population are insufficient to allow any conclusion about variant significance. To our knowledge, no occurrence of c.1863T>C in individuals affected with COL5A1-related conditions and no experimental evidence demonstrating its impact on protein function have been reported. ClinVar contains an entry for this variant (Variation ID: 4005420). Based on the evidence outlined above, the variant was classified as likely benign.

Labcorp Genetics (formerly Invitae), Labcorp
Classification: Benign for Ehlers-Danlos syndrome, classic type, 1. Last evaluated: 2025-10-01. Review status: criteria provided, single submitter. Criteria: Invitae Variant Classification Sherloc (09022015). Collection method: clinical testing. Allele origin: germline.

Ambry Genetics
Classification: Likely benign for Familial thoracic aortic aneurysm and aortic dissection. Last evaluated: 2025-05-03. Review status: criteria provided, single submitter. Criteria: Ambry Variant Classification Scheme 2023. Collection method: clinical testing. Allele origin: germline.